The following is an entry in ClinVar:

NM_001354604.2(MITF):c.1150G>T (p.Ala384Ser)

Gene: MITF (melanocyte inducing transcription factor; plus strand). Cytogenetic location: 3p13.
Variant type: single nucleotide variant.
Coding change: c.1150G>T on transcript NM_001354604.2 (MANE Select); coding-DNA position 1150, G replaced by T.
Protein change: p.Ala384Ser; replaces alanine 384 with serine.
Molecular consequence: missense variant.
Genome position (GRCh38, 1-based): chr3:69,959,391, G>T. VCF-style: chr3-69959391-G-T. GRCh37 (hg19) VCF-style: chr3-70008542-G-T.
Other names: c.829G>T, p.Ala277Ser (NM_000248.4); c.976G>T, p.Ala326Ser (NM_001184967.2, NM_001354608.2); c.1147G>T, p.Ala383Ser (NM_001354605.2); c.1129G>T, p.Ala377Ser (NM_001354606.2, NM_006722.3); c.1081G>T, p.Ala361Ser (NM_001354607.2); c.811G>T, p.Ala271Ser (NM_198158.3); c.1132G>T, p.Ala378Ser (NM_198159.3); c.1084G>T, p.Ala362Ser (NM_198177.3); and 2 more; short protein forms A361S, A362S, A377S, A383S, A384S, A215S, A326S, A271S.
Identifiers: ClinVar variation 930394 (VCV000930394.11), dbSNP rs202020443, ClinGen allele CA2490581.

ClinVar aggregate classification (germline): Uncertain significance. Review status: criteria provided, multiple submitters, no conflicts (2 of 4 stars). 5 submissions from 5 submitters: Uncertain significance (5). Last evaluated 2025-01-07.

Conditions:
Tietz syndrome (TADS). Also called: TIETZ ALBINISM-DEAFNESS SYNDROME; HYPOPIGMENTATION/DEAFNESS OF TIETZ; ALBINISM-DEAFNESS OF TIETZ. Identifiers: Orphanet 42665, MedGen C0391816, MONDO:0007077, OMIM 103500.
Melanoma, cutaneous malignant, susceptibility to, 8. Also called: Cutaneous malignant melanoma 8; MELANOMA AND RENAL CELL CARCINOMA, SUSCEPTIBILITY TO. Identifiers: Orphanet 293822, MedGen C3152204, MONDO:0013759, OMIM 614456.
Waardenburg syndrome type 2A (WS2A). Also called: WAARDENBURG SYNDROME WITHOUT DYSTOPIA CANTHORUM. Identifiers: Orphanet 3440, MedGen C1860339, MONDO:0008671, OMIM 193510.
Coloboma, osteopetrosis, microphthalmia, macrocephaly, albinism, and deafness (COMMAD). Also called: COMMAD syndrome. Identifiers: Orphanet 603494, MedGen C4310625, MONDO:0015014, OMIM 617306.
Hereditary cancer-predisposing syndrome. Also called: Hereditary neoplastic syndrome; Neoplastic Syndromes, Hereditary; Hereditary Cancer Syndrome; Tumor predisposition. Identifiers: Orphanet 140162, MedGen C0027672, MeSH D009386, MONDO:0015356.

Allele frequency attached by ClinVar (database versions not stated): TOPMed 0.00001.
gnomAD v4.1: 11 of 1,613,790 alleles (0.00068%); highest among the groups gnomAD compares: Non-Finnish European, 0.00093%; no homozygotes.

Submissions (5):

GeneDx
Classification: Uncertain significance. Last evaluated: 2025-01-07. Review status: criteria provided, single submitter. Criteria: GeneDx Variant Classification Process June 2021. Collection method: clinical testing. Allele origin: germline.
Comment: In silico analysis indicates that this missense variant does not alter protein structure/function; Has not been previously published as pathogenic or benign to our knowledge; This variant is associated with the following publications: (PMID: 24292195, 29575536, 30567904, 29487696)

Ambry Genetics
Classification: Uncertain significance for Hereditary cancer-predisposing syndrome. Last evaluated: 2024-11-25. Review status: criteria provided, single submitter. Criteria: Ambry Variant Classification Scheme 2023. Collection method: clinical testing. Allele origin: germline.
Comment: The p.A277S variant (also known as c.829G>T), located in coding exon 8 of the MITF gene, results from a G to T substitution at nucleotide position 829. The alanine at codon 277 is replaced by serine, an amino acid with similar properties. This amino acid position is conserved. In addition, this alteration is predicted to be tolerated by in silico analysis. Based on the available evidence, the clinical significance of this variant remains unclear.

Labcorp Genetics (formerly Invitae), Labcorp
Classification: Uncertain significance for Melanoma, cutaneous malignant, susceptibility to, 8; Waardenburg syndrome type 2A; Tietz syndrome. Last evaluated: 2024-09-12. Review status: criteria provided, single submitter. Criteria: Invitae Variant Classification Sherloc (09022015). Collection method: clinical testing. Allele origin: germline.
Comment: This sequence change replaces alanine, which is neutral and non-polar, with serine, which is neutral and polar, at codon 277 of the MITF protein (p.Ala277Ser). This variant is present in population databases (rs202020443, gnomAD 0.004%). This variant has not been reported in the literature in individuals affected with MITF-related conditions. ClinVar contains an entry for this variant (Variation ID: 930394). Invitae Evidence Modeling of protein sequence and biophysical properties (such as structural, functional, and spatial information, amino acid conservation, physicochemical variation, residue mobility, and thermodynamic stability) indicates that this missense variant is not expected to disrupt MITF protein function with a negative predictive value of 80%. In summary, the available evidence is currently insufficient to determine the role of this variant in disease. Therefore, it has been classified as a Variant of Uncertain Significance.

Fulgent Genetics
Classification: Uncertain significance for Tietz syndrome; Waardenburg syndrome type 2A; Melanoma, cutaneous malignant, susceptibility to, 8; Coloboma, osteopetrosis, microphthalmia, macrocephaly, albinism, and deafness. Last evaluated: 2024-03-01. Review status: criteria provided, single submitter. Criteria: ACMG Guidelines, 2015. Collection method: clinical testing. Allele origin: germline.

Centre for Mendelian Genomics, University Medical Centre Ljubljana
Classification: Uncertain significance for Tietz syndrome. Last evaluated: 2016-01-01. Review status: criteria provided, single submitter. Criteria: ACMG Guidelines, 2015. Collection method: clinical testing. Allele origin: unknown. Affected: yes.
Comment: This variant was classified as: Uncertain significance. The following ACMG criteria were applied in classifying this variant: PP2,PP3.